The following is an entry in ClinVar:

NM_000400.4(ERCC2):c.1965T>G (p.Asp655Glu)

Gene: ERCC2 (ERCC excision repair 2, TFIIH core complex helicase subunit; minus strand). Cytogenetic location: 19q13.32.
Variant type: single nucleotide variant.
Coding change: c.1965T>G on transcript NM_000400.4 (MANE Select); coding-DNA position 1965, T replaced by G.
Protein change: p.Asp655Glu; replaces aspartic acid 655 with glutamic acid.
Molecular consequence: missense variant.
Genome position (GRCh38, 1-based): chr19:45,352,587, A>C on the plus strand (T>G on the coding strand, the complement: ERCC2 is on the minus strand). VCF-style: chr19-45352587-A-C. GRCh37 (hg19) VCF-style: chr19-45855845-A-C.
Other names: short protein forms D655E.
Identifiers: ClinVar variation 1783517 (VCV001783517.2), dbSNP rs2513999423, ClinGen allele CA406363256.

ClinVar aggregate classification (germline): Uncertain significance (1 of 4 stars; one submission).

Conditions:
Inborn genetic diseases. Identifiers: MedGen C0950123, MeSH D030342.

Submission:

Ambry Genetics
Classification: Uncertain significance for Inborn genetic diseases. Last evaluated: 2022-06-12. Review status: criteria provided, single submitter. Criteria: Ambry Variant Classification Scheme 2023. Collection method: clinical testing. Allele origin: germline.
Comment: The p.D655E variant (also known as c.1965T>G), located in coding exon 21 of the ERCC2 gene, results from a T to G substitution at nucleotide position 1965. The aspartic acid at codon 655 is replaced by glutamic acid, an amino acid with highly similar properties. This amino acid position is conserved. In addition, the in silico prediction for this alteration is inconclusive. Since supporting evidence is limited at this time, the clinical significance of this alteration remains unclear.